The following is an entry in ClinVar:

NM_000193.4(SHH):c.922C>T (p.Arg308Cys)

Gene: SHH (sonic hedgehog signaling molecule; minus strand). Cytogenetic location: 7q36.3.
Variant type: single nucleotide variant.
Coding change: c.922C>T on transcript NM_000193.4 (MANE Select); coding-DNA position 922, C replaced by T.
Protein change: p.Arg308Cys; replaces arginine 308 with cysteine.
Molecular consequence: missense variant. On other transcripts: intron variant (1).
Genome position (GRCh38, 1-based): chr7:155,803,367, G>A on the plus strand (C>T on the coding strand, the complement: SHH is on the minus strand). VCF-style: chr7-155803367-G-A. GRCh37 (hg19) VCF-style: chr7-155596061-G-A.
Other names: c.301+2929C>T (NM_001310462.2); short protein forms R308C.
Identifiers: ClinVar variation 1187761 (VCV001187761.2), dbSNP rs1343790066, ClinGen allele CA370145680.

ClinVar aggregate classification (germline): Uncertain significance (1 of 4 stars; one submission).

Allele frequency attached by ClinVar (database versions not stated): gnomAD exomes 0.00001 and 0.00002.
gnomAD v4.1: 3 of 1,451,218 alleles (0.00021%); highest among the groups gnomAD compares: Non-Finnish European, 0.00027%; no homozygotes.

Submission:

GeneDx
Classification: Uncertain significance. Last evaluated: 2019-06-28. Review status: criteria provided, single submitter. Criteria: GeneDx Variant Classification Process June 2021. Collection method: clinical testing. Allele origin: germline. Affected: yes.
Comment: Not observed at a significant frequency in large population cohorts (Lek et al., 2016); In silico analysis, which includes protein predictors and evolutionary conservation, supports a deleterious effect; Has not been previously published as pathogenic or benign to our knowledge